The following is an entry in ClinVar:

ClinVar aggregate classification (germline): Benign (3 of 4 stars; one submission).

Conditions:
Breast-ovarian cancer, familial, susceptibility to, 1 (BROVCA1). Also called: BRCA1 Hereditary Breast and Ovarian Cancer; OVARIAN CANCER, SUSCEPTIBILITY TO. Identifiers: Orphanet 145, MedGen C2676676, MONDO:0011450, OMIM 604370. Disease mechanism: loss of function.

Allele frequency attached by ClinVar (database versions not stated): gnomAD 0.00028.

Submission:

Evidence-based Network for the Interpretation of Germline Mutant Alleles (ENIGMA)
Classification: Benign for Breast-ovarian cancer, familial 1. Last evaluated: 2015-01-12. Review status: reviewed by expert panel. Criteria: ENIGMA BRCA1/2 Classification Criteria (2015). Collection method: curation. Allele origin: germline.
Comment: Class 1 not pathogenic based on frequency >1% in an outbred sampleset. Frequency 0.33 (Asian), 0.2 (African), 0.35 (European), derived from 1000 genomes (2012-04-30).

NM_007294.4(BRCA1):c.5406+601_5406+602insG

Gene: BRCA1 (BRCA1 DNA repair associated; minus strand). Cytogenetic location: 17q21.31.
Variant type: Insertion.
Coding change: c.5406+601_5406+602insG on transcript NM_007294.4 (MANE Select); bases 601 to 602 of the intron after coding-DNA position 5406, G inserted.
Molecular consequence: intron variant.
Genome position: GRCh38 VCF-style: chr17-43048519-T-TC. GRCh37 (hg19) VCF-style: chr17-41200536-T-TC.
Other names: IVS 22+601insG; c.5070+601_5070+602insG (NM_001407954.1, NM_001407952.1, NM_001407950.1 and 3 more transcripts); c.1830+601_1830+602insG (NM_001408504.1, NM_001408503.1, NM_001408502.1); c.1953+601_1953+602insG (NM_001408463.1, NM_001408462.1, NM_001408458.1 and 7 more transcripts); c.5259+601_5259+602insG (NM_001407847.1, NM_001407841.1, NM_001407838.1 and 12 more transcripts); c.5262+601_5262+602insG (NM_001407740.1, NM_001407739.1, NM_001407741.1 and 18 more transcripts); c.1833+601_1833+602insG (NM_001408499.1, NM_001408498.1, NM_001408501.1 and 3 more transcripts); c.5139+601_5139+602insG (NM_001407933.1, NM_001407927.1, NM_001407931.1 and 4 more transcripts); and 85 more.
Identifiers: ClinVar variation 209246 (VCV000209246.2), dbSNP rs200489356, ClinGen allele CA276218.